The following is an entry in ClinVar:

NM_001367624.2(ZNF469):c.4463C>T (p.Pro1488Leu)

Gene: ZNF469 (zinc finger protein 469; plus strand). Cytogenetic location: 16q24.2.
Variant type: single nucleotide variant.
Coding change: c.4463C>T on transcript NM_001367624.2 (MANE Select); coding-DNA position 4463, C replaced by T.
Protein change: p.Pro1488Leu; replaces proline 1488 with leucine.
Molecular consequence: missense variant.
Genome position (GRCh38, 1-based): chr16:88,431,933, C>T. VCF-style: chr16-88431933-C-T. GRCh37 (hg19) VCF-style: chr16-88498341-C-T.
Other names: NM_001127464.1:c.4379C>T; NM_001127464.2:c.4379C>T; short protein forms P1488L.
Identifiers: ClinVar variation 514482 (VCV000514482.8), dbSNP rs565994438, ClinGen allele CA286376127.

ClinVar aggregate classification (germline): Conflicting classifications of pathogenicity. Review status: criteria provided, conflicting classifications (1 of 4 stars). 4 submissions from 4 submitters: Uncertain significance (1); Benign (1); Likely benign (2). Last evaluated 2025-08-08.

Conditions:
ZNF469-related disorder. Also called: ZNF469-related condition.
Cardiovascular phenotype. Identifiers: MedGen CN230736.

Allele frequency attached by ClinVar (database versions not stated): gnomAD exomes 0.00005 and 0.00016; gnomAD 0.00006 and 0.00007; 1000 Genomes Project 30x 0.00016; TOPMed 0.00018; 1000 Genomes Project 0.00020.
gnomAD v4.1: 84 of 1,549,530 alleles (0.0054%); highest among the groups gnomAD compares: East Asian, 0.18%; no homozygotes.

Submissions (4):

PreventionGenetics, part of Exact Sciences
Classification: Likely benign for ZNF469-related condition. Last evaluated: 2025-08-08. Review status: criteria provided, single submitter. Criteria: ACMG Guidelines, 2015. Collection method: clinical testing. Allele origin: germline.
Comment: This variant is classified as likely benign based on ACMG/AMP sequence variant interpretation guidelines (Richards et al. 2015 PMID: 25741868, with internal and published modifications).

Ambry Genetics
Classification: Benign for Cardiovascular phenotype. Last evaluated: 2023-10-05. Review status: criteria provided, single submitter. Criteria: Ambry Variant Classification Scheme 2023. Collection method: clinical testing. Allele origin: germline.

Labcorp Genetics (formerly Invitae), Labcorp
Classification: Uncertain significance. Last evaluated: 2022-07-18. Review status: criteria provided, single submitter. Criteria: Invitae Variant Classification Sherloc (09022015). Collection method: clinical testing. Allele origin: germline.
Comment: This sequence change replaces proline, which is neutral and non-polar, with leucine, which is neutral and non-polar, at codon 1460 of the ZNF469 protein (p.Pro1460Leu). This variant is present in population databases (rs565994438, gnomAD 0.2%). This variant has not been reported in the literature in individuals affected with ZNF469-related conditions. ClinVar contains an entry for this variant (Variation ID: 514482). Algorithms developed to predict the effect of missense changes on protein structure and function output the following: SIFT: "Deleterious"; PolyPhen-2: "Benign"; Align-GVGD: "Class C0". The leucine amino acid residue is found in multiple mammalian species, which suggests that this missense change does not adversely affect protein function. In summary, the available evidence is currently insufficient to determine the role of this variant in disease. Therefore, it has been classified as a Variant of Uncertain Significance.

GeneDx
Classification: Likely benign. Last evaluated: 2018-01-05. Review status: criteria provided, single submitter. Criteria: GeneDx Variant Classification (06012015). Collection method: clinical testing. Allele origin: germline. Affected: yes.
Comment: This variant is considered likely benign or benign based on one or more of the following criteria: it is a conservative change, it occurs at a poorly conserved position in the protein, it is predicted to be benign by multiple in silico algorithms, and/or has population frequency not consistent with disease.